The following is an entry in ClinVar:

NM_006922.4(SCN3A):c.532T>C (p.Phe178Leu)

Gene: SCN3A (sodium voltage-gated channel alpha subunit 3; minus strand). Cytogenetic location: 2q24.3.
Variant type: single nucleotide variant.
Coding change: c.532T>C on transcript NM_006922.4 (MANE Select); coding-DNA position 532, T replaced by C.
Protein change: p.Phe178Leu; replaces phenylalanine 178 with leucine.
Molecular consequence: missense variant.
Genome position (GRCh38, 1-based): chr2:165,164,462, A>G on the plus strand (T>C on the coding strand, the complement: SCN3A is on the minus strand). VCF-style: chr2-165164462-A-G. GRCh37 (hg19) VCF-style: chr2-166020972-A-G.
Other names: c.532T>C, p.Phe178Leu (NM_001081676.2, NM_001081677.2); short protein forms F178L.
Identifiers: ClinVar variation 1469671 (VCV001469671.8), dbSNP rs1258497626, ClinGen allele CA349240038.

ClinVar aggregate classification (germline): Uncertain significance (1 of 4 stars; one submission).

Submission:

Labcorp Genetics (formerly Invitae), Labcorp
Classification: Uncertain significance. Last evaluated: 2025-11-16. Review status: criteria provided, single submitter. Criteria: Invitae Variant Classification Sherloc (09022015). Collection method: clinical testing. Allele origin: germline.
Comment: This sequence change replaces phenylalanine, which is neutral and non-polar, with leucine, which is neutral and non-polar, at codon 178 of the SCN3A protein (p.Phe178Leu). This variant is not present in population databases (gnomAD no frequency). This variant has not been reported in the literature in individuals affected with SCN3A-related conditions. ClinVar contains an entry for this variant (Variation ID: 1469671). Invitae Evidence Modeling of protein sequence and biophysical properties (such as structural, functional, and spatial information, amino acid conservation, physicochemical variation, residue mobility, and thermodynamic stability) indicates that this missense variant is expected to disrupt SCN3A protein function with a positive predictive value of 95%. In summary, the available evidence is currently insufficient to determine the role of this variant in disease. Therefore, it has been classified as a Variant of Uncertain Significance.